The following is an entry in ClinVar:

ClinVar aggregate classification (germline): Uncertain significance (1 of 4 stars; one submission).

Conditions:
KCNN3-related disorder. Also called: KCNN3-related condition.

gnomAD v4.1: 2 of 1,613,598 alleles (0.00012%); highest among the groups gnomAD compares: African/African-American, 0.0013%; no homozygotes.

Submission:

PreventionGenetics, part of Exact Sciences
Classification: Uncertain significance for KCNN3-related condition. Last evaluated: 2025-09-03. Review status: criteria provided, single submitter. Criteria: ACMG Guidelines, 2015. Collection method: clinical testing. Allele origin: germline.
Comment: The KCNN3 c.2066C>T variant is predicted to result in the amino acid substitution p.Pro689Leu. To our knowledge, this variant has not been reported in the literature or in a large population database (gnomAD), indicating this variant is rare. At this time, the clinical significance of this variant is uncertain due to the absence of conclusive functional and genetic evidence.

NM_002249.6(KCNN3):c.2021C>T (p.Pro674Leu)

Gene: KCNN3 (potassium calcium-activated channel subfamily N member 3; minus strand). Cytogenetic location: 1q21.3.
Variant type: single nucleotide variant.
Coding change: c.2021C>T on transcript NM_002249.6 (MANE Select); coding-DNA position 2021, C replaced by T.
Protein change: p.Pro674Leu; replaces proline 674 with leucine.
Molecular consequence: missense variant.
Genome position (GRCh38, 1-based): chr1:154,708,151, G>A on the plus strand (C>T on the coding strand, the complement: KCNN3 is on the minus strand). VCF-style: chr1-154708151-G-A. GRCh37 (hg19) VCF-style: chr1-154680627-G-A.
Other names: c.2066C>T, p.Pro689Leu (NM_001204087.2); c.1127C>T, p.Pro376Leu (NM_001365837.1); c.1082C>T, p.Pro361Leu (NM_001365838.1); c.1106C>T, p.Pro369Leu (NM_170782.3); short protein forms P689L, P376L, P674L, P361L, P369L.
Identifiers: ClinVar variation 4995759 (VCV004995759.1).